The following is an entry in ClinVar:

ClinVar aggregate classification (germline): Uncertain significance. Review status: criteria provided, multiple submitters, no conflicts (2 of 4 stars). 3 submissions from 3 submitters: Uncertain significance (3). Last evaluated 2026-01-03.

Conditions:
Inborn genetic diseases. Identifiers: MedGen C0950123, MeSH D030342.
Hereditary sensory and autonomic neuropathy type 6. Also called: Neuropathy, hereditary sensory and autonomic, type VI; HSAN VI. Identifiers: Orphanet 314381, MedGen C3539003, MONDO:0013839, OMIM 614653.
Epidermolysis bullosa simplex 3, localized or generalized intermediate, with BP230 deficiency (EBS3). Also called: Epidermolysis bullosa simplex, autosomal recessive 2; Epidermolysis bullosa simplex due to BP230 deficiency. Identifiers: Orphanet 412181, MedGen C3809470, MONDO:0014180, OMIM 615425.

Allele frequency attached by ClinVar (database versions not stated): ExAC 0.00001; gnomAD 0.00002 and 0.00003; gnomAD exomes 0.00003; TOPMed 0.00003.
gnomAD v4.1: 42 of 1,610,346 alleles (0.0026%); highest among the groups gnomAD compares: Non-Finnish European, 0.0035%; no homozygotes.

Submissions (3):

GeneDx
Classification: Uncertain significance. Last evaluated: 2026-01-03. Review status: criteria provided, single submitter. Criteria: GeneDx Variant Classification Process June 2021. Collection method: clinical testing. Allele origin: germline. Affected: yes.
Comment: In silico analysis supports that this missense variant has a deleterious effect on protein structure/function; Has not been previously published as pathogenic or benign to our knowledge; Reported using the transcript encoding the epithelial isoform of the gene

Labcorp Genetics (formerly Invitae), Labcorp
Classification: Uncertain significance for Epidermolysis bullosa simplex 3, localized or generalized intermediate, with BP230 deficiency; Hereditary sensory and autonomic neuropathy type 6. Last evaluated: 2024-02-28. Review status: criteria provided, single submitter. Criteria: Invitae Variant Classification Sherloc (09022015). Collection method: clinical testing. Allele origin: germline.
Comment: This sequence change replaces glutamic acid, which is acidic and polar, with aspartic acid, which is acidic and polar, at codon 872 of the DST protein (p.Glu872Asp). This variant is present in population databases (rs777359107, gnomAD 0.006%). This variant has not been reported in the literature in individuals affected with DST-related conditions. ClinVar contains an entry for this variant (Variation ID: 1046018). An algorithm developed to predict the effect of missense changes on protein structure and function (PolyPhen-2) suggests that this variant is likely to be disruptive. In summary, the available evidence is currently insufficient to determine the role of this variant in disease. Therefore, it has been classified as a Variant of Uncertain Significance.

Ambry Genetics
Classification: Uncertain significance for Inborn genetic diseases. Last evaluated: 2020-02-24. Review status: criteria provided, single submitter. Criteria: Ambry Variant Classification Scheme 2023. Collection method: clinical testing. Allele origin: germline.
Comment: The p.E1376D variant (also known as c.4128A>C), located in coding exon 30 of the DST gene, results from an A to C substitution at nucleotide position 4128. The glutamic acid at codon 1376 is replaced by aspartic acid, an amino acid with highly similar properties. This amino acid position is highly conserved in available vertebrate species. In addition, the in silico prediction for this alteration is inconclusive. Since supporting evidence is limited at this time, the clinical significance of this alteration remains unclear.

NM_001374736.1(DST):c.4227A>C (p.Glu1409Asp)

Gene: DST (dystonin; minus strand). Cytogenetic location: 6p12.1.
Variant type: single nucleotide variant.
Coding change: c.4227A>C on transcript NM_001374736.1 (MANE Select); coding-DNA position 4227, A replaced by C.
Protein change: p.Glu1409Asp; replaces glutamic acid 1409 with aspartic acid.
Molecular consequence: missense variant.
Genome position (GRCh38, 1-based): chr6:56,630,299, T>G on the plus strand (A>C on the coding strand, the complement: DST is on the minus strand). VCF-style: chr6-56630299-T-G. GRCh37 (hg19) VCF-style: chr6-56495097-T-G.
Other names: c.4128A>C, p.Glu1376Asp (NM_001144769.5); c.3714A>C, p.Glu1238Asp (NM_001144770.2); c.4227A>C, p.Glu1409Asp (NM_001374722.1); c.3594A>C, p.Glu1198Asp (NM_001374729.1, NM_001374730.1, NM_001386100.1 and 1 more transcripts); c.4254A>C, p.Glu1418Asp (NM_001374734.1); c.2616A>C, p.Glu872Asp (NM_001723.7, NM_015548.5); c.2616A>C (NM_001723.5); short protein forms E1418D, E872D, E1198D, E1376D, E1238D, E1409D.
Identifiers: ClinVar variation 1046018 (VCV001046018.12), dbSNP rs777359107, ClinGen allele CA3870945.